The following is an entry in ClinVar:

NM_001042472.3(ABHD12):c.170G>A (p.Gly57Glu)

Gene: ABHD12 (abhydrolase domain containing 12, lysophospholipase; minus strand). Cytogenetic location: 20p11.21.
Variant type: single nucleotide variant.
Coding change: c.170G>A on transcript NM_001042472.3 (MANE Select); coding-DNA position 170, G replaced by A.
Protein change: p.Gly57Glu; replaces glycine 57 with glutamic acid.
Molecular consequence: missense variant.
Genome position (GRCh38, 1-based): chr20:25,390,534, C>T on the plus strand (G>A on the coding strand, the complement: ABHD12 is on the minus strand). VCF-style: chr20-25390534-C-T. GRCh37 (hg19) VCF-style: chr20-25371170-C-T.
Other names: c.170G>A (NM_001042472.2); c.170G>A, p.Gly57Glu (NM_015600.5); short protein forms G57E.
Identifiers: ClinVar variation 1393343 (VCV001393343.6), dbSNP rs750218893, ClinGen allele CA9796309.

ClinVar aggregate classification (germline): Uncertain significance. Review status: criteria provided, multiple submitters, no conflicts (2 of 4 stars). 4 submissions from 4 submitters: Uncertain significance (4). Last evaluated 2025-12-18.

Conditions:
ABHD12-related disorder. Also called: ABHD12-related condition.

Allele frequency attached by ClinVar (database versions not stated): gnomAD 0.00004; TOPMed 0.00005; gnomAD exomes 0.00011 and 0.00012; ExAC 0.00047.

Submissions (4):

GeneDx
Classification: Uncertain significance. Last evaluated: 2025-12-18. Review status: criteria provided, single submitter. Criteria: GeneDx Variant Classification Process June 2021. Collection method: clinical testing. Allele origin: germline.
Comment: In silico analysis suggests that this missense variant does not alter protein structure/function; Has not been previously published as pathogenic or benign to our knowledge

PreventionGenetics, part of Exact Sciences
Classification: Uncertain significance for ABHD12-related condition. Last evaluated: 2024-11-08. Review status: criteria provided, single submitter. Criteria: ACMG Guidelines, 2015. Collection method: clinical testing. Allele origin: germline.
Comment: The ABHD12 c.170G>A variant is predicted to result in the amino acid substitution p.Gly57Glu. To our knowledge, this variant has not been reported in the literature. This variant is reported in 0.029% of alleles in individuals of South Asian descent in gnomAD. At this time, the clinical significance of this variant is uncertain due to the absence of conclusive functional and genetic evidence.

Blueprint Genetics
Classification: Uncertain significance. Last evaluated: 2022-11-06. Review status: criteria provided, single submitter. Criteria: ACMG Guidelines, 2015. Collection method: clinical testing. Allele origin: germline.

Labcorp Genetics (formerly Invitae), Labcorp
Classification: Uncertain significance. Last evaluated: 2022-08-08. Review status: criteria provided, single submitter. Criteria: Invitae Variant Classification Sherloc (09022015). Collection method: clinical testing. Allele origin: germline.
Comment: This sequence change replaces glycine, which is neutral and non-polar, with glutamic acid, which is acidic and polar, at codon 57 of the ABHD12 protein (p.Gly57Glu). This variant is present in population databases (rs750218893, gnomAD 0.03%). This variant has not been reported in the literature in individuals affected with ABHD12-related conditions. ClinVar contains an entry for this variant (Variation ID: 1393343). Algorithms developed to predict the effect of missense changes on protein structure and function (SIFT, PolyPhen-2, Align-GVGD) all suggest that this variant is likely to be tolerated. In summary, the available evidence is currently insufficient to determine the role of this variant in disease. Therefore, it has been classified as a Variant of Uncertain Significance.